The following is an entry in ClinVar:

ClinVar aggregate classification (germline): Uncertain significance. Review status: criteria provided, multiple submitters, no conflicts (2 of 4 stars). 2 submissions from 2 submitters: Uncertain significance (2). Last evaluated 2024-11-07.

Conditions:
Muscular dystrophy, limb-girdle, autosomal recessive 23. Identifiers: Orphanet 565837, MedGen C4748327, MONDO:0029136, OMIM 618138.
Merosin deficient congenital muscular dystrophy (MDC1A). Also called: Congenital merosin-deficient muscular dystrophy 1A; Congenital Muscular Dystrophy Type 1A (MDC1A). Identifiers: Orphanet 258, MedGen C1263858, MONDO:0011925, OMIM 607855.

gnomAD v4.1: 1 of 1,610,828 alleles (0.000062%); no homozygotes.

Submissions (2):

3billion
Classification: Uncertain significance for Muscular dystrophy, limb-girdle, autosomal recessive 23. Last evaluated: 2024-11-07. Review status: criteria provided, single submitter. Criteria: ACMG Guidelines, 2015. Collection method: clinical testing. Allele origin: germline. Affected: yes.
Comment: The variant is observed at an extremely low frequency in the gnomAD v4.1.0 dataset (total allele frequency: <0.001%). Predicted Consequence/Location: Missense variant. The majority of the known disease-causing variants of this gene are variants expected to result in premature termination of the protein. In silico tool predictions suggest damaging effect of the variant on gene or gene product [REVEL: 0.74 (>=0.6, sensitivity 0.68 and specificity 0.92)]. The variant has been reported as of uncertain significance (PMID: 35533453). Therefore, this variant is classified as VUS according to the recommendation of ACMG/AMP guideline.

Kariminejad - Najmabadi Pathology & Genetics Center
Classification: Uncertain significance for Merosin deficient congenital muscular dystrophy; Muscular dystrophy, limb-girdle, autosomal recessive 23. Last evaluated: 2020-11-24. Review status: criteria provided, single submitter. Criteria: ACMG Guidelines, 2015. Collection method: clinical testing. Allele origin: germline. Inheritance: Autosomal recessive inheritance. Affected: yes.
Comment: PM1,PM2,PP3,BP1

NM_000426.4(LAMA2):c.6700G>C (p.Ala2234Pro)

Gene: LAMA2 (laminin subunit alpha 2; plus strand). Cytogenetic location: 6q22.33.
Variant type: single nucleotide variant.
Coding change: c.6700G>C on transcript NM_000426.4 (MANE Select); coding-DNA position 6700, G replaced by C.
Protein change: p.Ala2234Pro; replaces alanine 2234 with proline.
Molecular consequence: missense variant.
Genome position (GRCh38, 1-based): chr6:129,454,281, G>C. VCF-style: chr6-129454281-G-C. GRCh37 (hg19) VCF-style: chr6-129775426-G-C.
Other names: c.6700G>C, p.Ala2234Pro (NM_001079823.2); short protein forms A2234P.
Identifiers: ClinVar variation 3896896 (VCV003896896.2).